The following is an entry in ClinVar:

NM_003742.4(ABCB11):c.1441G>A (p.Val481Met)

Gene: ABCB11 (ATP binding cassette subfamily B member 11; minus strand). Cytogenetic location: 2q31.1.
Variant type: single nucleotide variant.
Coding change: c.1441G>A on transcript NM_003742.4 (MANE Select); coding-DNA position 1441, G replaced by A.
Protein change: p.Val481Met; replaces valine 481 with methionine.
Molecular consequence: missense variant.
Genome position (GRCh38, 1-based): chr2:168,972,044, C>T on the plus strand (G>A on the coding strand, the complement: ABCB11 is on the minus strand). VCF-style: chr2-168972044-C-T. GRCh37 (hg19) VCF-style: chr2-169828554-C-T.
Other names: c.1441G>A (NM_003742.2); short protein forms V481M.
Identifiers: ClinVar variation 2201827 (VCV002201827.7), dbSNP rs371742655, ClinGen allele CA1951563.

ClinVar aggregate classification (germline): Conflicting classifications of pathogenicity. Review status: criteria provided, conflicting classifications (1 of 4 stars). 3 submissions from 3 submitters: Uncertain significance (1); Likely benign (1). 1 of the submissions does not count toward it. Last evaluated 2026-04-14.

Conditions:
ABCB11-related disorder. Also called: ABCB11-related condition.
Familial intrahepatic cholestasis. Identifiers: Orphanet 284385, MedGen CN296401, MONDO:0017290.

Allele frequency attached by ClinVar (database versions not stated): gnomAD 0.00007; gnomAD exomes 0.00007; ESP Exome Variant Server 0.00008; TOPMed 0.00008; ExAC 0.00010.

Submissions (3):

Genomenon, Inc
Classification: Uncertain significance for Familial intrahepatic cholestasis. Last evaluated: 2026-04-14. Review status: criteria provided, single submitter. Criteria: Genomenon Sequence Variant Interpretation Standards - Updated. Collection method: curation. Allele origin: germline. Affected: no.
Comment: ABCB11 p.Val481Met (c.1441G>A) is a missense variant that changes the amino acid at residue 481 from Valine to Methionine. This variant has been reported in the published literature (PMID:40980121;36332446). In conclusion, we classify ABCB11 p.Val481Met (c.1441G>A) as a variant of uncertain significance.

Labcorp Genetics (formerly Invitae), Labcorp
Classification: Likely benign. Last evaluated: 2024-07-08. Review status: criteria provided, single submitter. Criteria: Invitae Variant Classification Sherloc (09022015). Collection method: clinical testing. Allele origin: germline.

PreventionGenetics, part of Exact Sciences
Classification: Uncertain significance for ABCB11-related condition. Last evaluated: 2023-12-14. Review status: no assertion criteria provided. Collection method: clinical testing. Allele origin: germline. Not counted in ClinVar's aggregate classification.
Comment: The ABCB11 c.1441G>A variant is predicted to result in the amino acid substitution p.Val481Met. To our knowledge, this variant has not been reported in the literature. This variant is reported in 0.052% of alleles in individuals of East Asian descent in gnomAD and has been interpreted in ClinVar as likely benign. Of note, a different variant impacting the same amino acid (p.Val481Glu) has been reported in the biallelic state in a patient with bile salt export pump (BSEP) deficiency (Patient 36 in Strautnieks et al. 2008. PubMed ID: 18395098) and in patients from a cholestasis cohort (Patients 22-24 in Table S3, Hertel. 2021. PubMed ID: 34016879). At this time, the clinical significance of this variant is uncertain due to the absence of conclusive functional and genetic evidence.

Literature cited by the submitters: PubMed 40980121 (cited by Genomenon, Inc); PubMed 36332446 (cited by Genomenon, Inc).